The following is an entry in ClinVar:

NM_001873.4(CPE):c.1138G>A (p.Val380Ile)

Gene: CPE (carboxypeptidase E; plus strand). Cytogenetic location: 4q32.3.
Variant type: single nucleotide variant.
Coding change: c.1138G>A on transcript NM_001873.4 (MANE Select); coding-DNA position 1138, G replaced by A.
Protein change: p.Val380Ile; replaces valine 380 with isoleucine.
Molecular consequence: missense variant.
Genome position (GRCh38, 1-based): chr4:165,493,195, G>A. VCF-style: chr4-165493195-G-A. GRCh37 (hg19) VCF-style: chr4-166414347-G-A.
Other names: c.1138G>A (NM_001873.3); short protein forms V380I.
Identifiers: ClinVar variation 1609456 (VCV001609456.11), dbSNP rs140738622, ClinGen allele CA3130385.

ClinVar aggregate classification (germline): Benign/Likely benign. Review status: criteria provided, multiple submitters, no conflicts (2 of 4 stars). 3 submissions from 3 submitters: Benign (1); Likely benign (1). 1 of the submissions does not count toward it. Last evaluated 2025-04-11.

Conditions:
CPE-related disorder. Also called: CPE-related condition.

Allele frequency attached by ClinVar (database versions not stated): gnomAD exomes 0.00043; ExAC 0.00050; gnomAD 0.00160 and 0.00171; TOPMed 0.00176; 1000 Genomes Project 0.00180; 1000 Genomes Project 30x 0.00187; ESP Exome Variant Server 0.00192.
gnomAD v4.1: 496 of 1,613,898 alleles (0.031%); highest among the groups gnomAD compares: African/African-American, 0.57%; 3 homozygotes.

Submissions (3):

Labcorp Genetics (formerly Invitae), Labcorp
Classification: Benign. Last evaluated: 2025-04-11. Review status: criteria provided, single submitter. Criteria: Invitae Variant Classification Sherloc (09022015). Collection method: clinical testing. Allele origin: germline.

Blueprint Genetics
Classification: Likely benign. Last evaluated: 2024-10-23. Review status: criteria provided, single submitter. Criteria: ACMG Guidelines, 2015. Collection method: clinical testing. Allele origin: germline.

PreventionGenetics, part of Exact Sciences
Classification: Likely benign for CPE-related condition. Last evaluated: 2019-10-15. Review status: no assertion criteria provided. Collection method: clinical testing. Allele origin: germline. Not counted in ClinVar's aggregate classification.
Comment: This variant is classified as likely benign based on ACMG/AMP sequence variant interpretation guidelines (Richards et al. 2015 PMID: 25741868, with internal and published modifications).